The following is an entry in ClinVar:

ClinVar aggregate classification (germline): Uncertain significance. Review status: criteria provided, multiple submitters, no conflicts (2 of 4 stars). 2 submissions from 2 submitters: Uncertain significance (2). Last evaluated 2025-04-18.

Conditions:
USH2A-related disorder. Also called: USH2A-related disorders; USH2A-related condition. Identifiers: MedGen CN239332.

Allele frequency attached by ClinVar (database versions not stated): gnomAD exomes below 0.00001.
gnomAD v4.1: 1 of 1,613,908 alleles (0.000062%); highest among the groups gnomAD compares: Admixed American, 0.0017%; no homozygotes.

Submissions (2):

PreventionGenetics, part of Exact Sciences
Classification: Uncertain significance for USH2A-related condition. Last evaluated: 2025-04-18. Review status: criteria provided, single submitter. Criteria: ACMG Guidelines, 2015. Collection method: clinical testing. Allele origin: germline.
Comment: The USH2A c.7073T>C variant is predicted to result in the amino acid substitution p.Leu2358Pro. To our knowledge, this variant has not been reported in the literature. This variant is present in 0.0029% of alleles in individuals of Latino descent in gnomAD. At this time, the clinical significance of this variant is uncertain due to the absence of conclusive functional and genetic evidence.

Labcorp Genetics (formerly Invitae), Labcorp
Classification: Uncertain significance. Last evaluated: 2024-10-23. Review status: criteria provided, single submitter. Criteria: Invitae Variant Classification Sherloc (09022015). Collection method: clinical testing. Allele origin: germline.
Comment: This sequence change replaces leucine, which is neutral and non-polar, with proline, which is neutral and non-polar, at codon 2358 of the USH2A protein (p.Leu2358Pro). This variant is present in population databases (no rsID available, gnomAD 0.003%). This variant has not been reported in the literature in individuals affected with USH2A-related conditions. ClinVar contains an entry for this variant (Variation ID: 1424190). Invitae Evidence Modeling of protein sequence and biophysical properties (such as structural, functional, and spatial information, amino acid conservation, physicochemical variation, residue mobility, and thermodynamic stability) indicates that this missense variant is not expected to disrupt USH2A protein function with a negative predictive value of 95%. In summary, the available evidence is currently insufficient to determine the role of this variant in disease. Therefore, it has been classified as a Variant of Uncertain Significance.

NM_206933.4(USH2A):c.7073T>C (p.Leu2358Pro)

Gene: USH2A (usherin; minus strand). Cytogenetic location: 1q41.
Variant type: single nucleotide variant.
Coding change: c.7073T>C on transcript NM_206933.4 (MANE Select); coding-DNA position 7073, T replaced by C.
Protein change: p.Leu2358Pro; replaces leucine 2358 with proline.
Molecular consequence: missense variant.
Genome position (GRCh38, 1-based): chr1:215,965,364, A>G on the plus strand (T>C on the coding strand, the complement: USH2A is on the minus strand). VCF-style: chr1-215965364-A-G. GRCh37 (hg19) VCF-style: chr1-216138706-A-G.
Other names: c.7073T>C (NM_206933.2); short protein forms L2358P.
Identifiers: ClinVar variation 1424190 (VCV001424190.6), dbSNP rs1315033828, ClinGen allele CA344852001.